The following is an entry in ClinVar:

NM_001384732.1(CPLANE1):c.8668T>C (p.Ser2890Pro)

Gene: CPLANE1 (ciliogenesis and planar polarity effector complex subunit 1; minus strand). Cytogenetic location: 5p13.2.
Variant type: single nucleotide variant.
Coding change: c.8668T>C on transcript NM_001384732.1 (MANE Select); coding-DNA position 8668, T replaced by C.
Protein change: p.Ser2890Pro; replaces serine 2890 with proline.
Molecular consequence: missense variant.
Genome position (GRCh38, 1-based): chr5:37,138,844, A>G on the plus strand (T>C on the coding strand, the complement: CPLANE1 is on the minus strand). VCF-style: chr5-37138844-A-G. GRCh37 (hg19) VCF-style: chr5-37138946-A-G.
Other names: c.8506T>C, p.Ser2836Pro (NM_023073.4); short protein forms S2836P, S2890P.
Identifiers: ClinVar variation 1417566 (VCV001417566.6), dbSNP rs901799204, ClinGen allele CA117066873.

ClinVar aggregate classification (germline): Uncertain significance (1 of 4 stars; one submission).

gnomAD v4.1: 15 of 1,601,864 alleles (0.00094%); highest among the groups gnomAD compares: Non-Finnish European, 0.0013%; no homozygotes.

Submission:

Labcorp Genetics (formerly Invitae), Labcorp
Classification: Uncertain significance. Last evaluated: 2022-03-09. Review status: criteria provided, single submitter. Criteria: Invitae Variant Classification Sherloc (09022015). Collection method: clinical testing. Allele origin: germline.
Comment: This sequence change replaces serine, which is neutral and polar, with proline, which is neutral and non-polar, at codon 2836 of the CPLANE1 protein (p.Ser2836Pro). This variant is not present in population databases (gnomAD no frequency). This variant has not been reported in the literature in individuals affected with CPLANE1-related conditions. Advanced modeling of protein sequence and biophysical properties (such as structural, functional, and spatial information, amino acid conservation, physicochemical variation, residue mobility, and thermodynamic stability) performed at Invitae indicates that this missense variant is not expected to disrupt CPLANE1 protein function. In summary, the available evidence is currently insufficient to determine the role of this variant in disease. Therefore, it has been classified as a Variant of Uncertain Significance.